The following is an entry in ClinVar:

ClinVar aggregate classification (germline): Pathogenic (1 of 4 stars; one submission).

Conditions:
Duchenne muscular dystrophy (DMD). Also called: MUSCULAR DYSTROPHY, PSEUDOHYPERTROPHIC PROGRESSIVE, DUCHENNE TYPE; Duchenne Muscular Dystrophy (DMD). Identifiers: Orphanet 98896, MedGen C0013264, MONDO:0010679, OMIM 310200.

Submission:

Centro de Genética y Biología Molecular, Universidad de San Martín de Porres
Classification: Pathogenic for Duchenne muscular dystrophy. Review status: criteria provided, single submitter. Criteria: ACMG Guidelines, 2015. Collection method: clinical testing. Allele origin: germline. Inheritance: X-linked inheritance. Affected: yes. Observed: 1 compound heterozygote.
Comment: The c.5812G>T variant has been reported in Leiden Open (source) Variation Database (LOVD) version 3.0 to be classified as pathogenic evidence.

NM_004006.3(DMD):c.5812G>T (p.Glu1938Ter)

Gene: DMD (dystrophin; minus strand). Cytogenetic location: Xp21.1.
Variant type: single nucleotide variant.
Coding change: c.5812G>T on transcript NM_004006.3 (MANE Select); coding-DNA position 5812, G replaced by T.
Protein change: p.Glu1938Ter; replaces glutamic acid 1938 with a stop codon.
Molecular consequence: nonsense.
Genome position (GRCh38, 1-based): chrX:32,342,210, C>A on the plus strand (G>T on the coding strand, the complement: DMD is on the minus strand). VCF-style: chrX-32342210-C-A. GRCh37 (hg19) VCF-style: chrX-32360327-C-A.
Other names: c.5788G>T, p.Glu1930Ter (NM_000109.4); c.5800G>T, p.Glu1934Ter (NM_004009.3); c.5443G>T, p.Glu1815Ter (NM_004010.3); c.1789G>T, p.Glu597Ter (NM_004011.4); c.1780G>T, p.Glu594Ter (NM_004012.4); short protein forms E1815*, E1930*, E1934*, E1938*, E594*, E597*.
Identifiers: ClinVar variation 984679 (VCV000984679.3), dbSNP rs2097747311, ClinGen allele CA412665089.